The following is an entry in ClinVar:

NM_006231.4(POLE):c.1360-1G>A

Gene: POLE (DNA polymerase epsilon, catalytic subunit; minus strand). Cytogenetic location: 12q24.33.
Variant type: single nucleotide variant.
Coding change: c.1360-1G>A on transcript NM_006231.4 (MANE Select); the canonical splice acceptor site of the intron before coding-DNA position 1360, G replaced by A.
Molecular consequence: splice acceptor variant.
Genome position (GRCh38, 1-based): chr12:132,673,278, C>T on the plus strand (G>A on the coding strand, the complement: POLE is on the minus strand). VCF-style: chr12-132673278-C-T. GRCh37 (hg19) VCF-style: chr12-133249864-C-T.
Identifiers: ClinVar variation 2021403 (VCV002021403.4), dbSNP rs2135997137, ClinGen allele CA387358894.

ClinVar aggregate classification (germline): Likely pathogenic (1 of 4 stars; one submission).

Submission:

Labcorp Genetics (formerly Invitae), Labcorp
Classification: Likely pathogenic. Last evaluated: 2024-03-06. Review status: criteria provided, single submitter. Criteria: Invitae Variant Classification Sherloc (09022015). Collection method: clinical testing. Allele origin: germline.
Comment: This sequence change affects an acceptor splice site in intron 13 of the POLE gene. It is expected to disrupt RNA splicing. Variants that disrupt the donor or acceptor splice site typically lead to a loss of protein function (PMID: 16199547), and loss-of-function variants in POLE are known to be pathogenic (PMID: 23230001, 25948378, 30503519). This variant is not present in population databases (gnomAD no frequency). This variant has not been reported in the literature in individuals affected with POLE-related conditions. ClinVar contains an entry for this variant (Variation ID: 2021403). Algorithms developed to predict the effect of sequence changes on RNA splicing suggest that this variant may disrupt the consensus splice site. In summary, the currently available evidence indicates that the variant is pathogenic, but additional data are needed to prove that conclusively. Therefore, this variant has been classified as Likely Pathogenic.

Literature cited by the submitters: PubMed 16199547; PubMed 23230001; PubMed 25948378; PubMed 30503519.